The following is an entry in ClinVar:

NM_001020658.2(PUM1):c.164C>T (p.Ala55Val)

Gene: PUM1 (pumilio RNA binding family member 1; minus strand). Cytogenetic location: 1p35.2.
Variant type: single nucleotide variant.
Coding change: c.164C>T on transcript NM_001020658.2 (MANE Select); coding-DNA position 164, C replaced by T.
Protein change: p.Ala55Val; replaces alanine 55 with valine.
Molecular consequence: missense variant.
Genome position (GRCh38, 1-based): chr1:31,059,403, G>A on the plus strand (C>T on the coding strand, the complement: PUM1 is on the minus strand). VCF-style: chr1-31059403-G-A. GRCh37 (hg19) VCF-style: chr1-31532250-G-A.
Other names: c.164C>T, p.Ala55Val (NM_014676.3); short protein forms A55V.
Identifiers: ClinVar variation 3384531 (VCV003384531.1).

ClinVar aggregate classification (germline): Uncertain significance (1 of 4 stars; one submission).

gnomAD v4.1: 1 of 1,614,168 alleles (0.000062%); highest among the groups gnomAD compares: Non-Finnish European, 0.000085%; no homozygotes.

Submission:

GeneDx
Classification: Uncertain significance. Last evaluated: 2024-06-05. Review status: criteria provided, single submitter. Criteria: GeneDx Variant Classification Process June 2021. Collection method: clinical testing. Allele origin: germline. Affected: yes.
Comment: Not observed at significant frequency in large population cohorts (gnomAD); In silico analysis indicates that this missense variant does not alter protein structure/function; Has not been previously published as pathogenic or benign to our knowledge